The following is an entry in ClinVar:

NM_000492.4(CFTR):c.3454_3455del (p.Asp1152fs)

Genes: CFTR-AS2 (CFTR antisense RNA 2; minus strand), CFTR (CF transmembrane conductance regulator; plus strand). Cytogenetic location: 7q31.2.
Variant type: Deletion.
Coding change: c.3454_3455del on transcript NM_000492.4 (MANE Select); coding-DNA positions 3454 to 3455, 2 bases deleted (GA; older notation c.3454_3455delGA).
Protein change: p.Asp1152fs; shifts the reading frame from aspartic acid 1152.
Molecular consequence: frameshift variant.
Genome position (GRCh38, 1-based): chr7:117,614,699-117,614,700, GA deleted; deleting any 2 consecutive bases within chr7:117,614,698-117,614,700 gives the same sequence; the c. name uses the placement nearest the transcript's 3' end. VCF-style (leftmost placement, unchanged base first): chr7-117614697-TAG-T. GRCh37 (hg19) VCF-style: chr7-117254751-TAG-T.
Other names: short protein forms D1152fs.
Identifiers: ClinVar variation 4818537 (VCV004818537.1).

ClinVar aggregate classification (germline): Likely pathogenic (1 of 4 stars; one submission).

Conditions:
CFTR-related disorder (CFTR-RD). Also called: CFTR-related disorders; CFTR-related condition. Identifiers: MedGen C5924204, MONDO:7770004.

Submission:

Natera, Inc.
Classification: Likely pathogenic for CFTR-related disorders. Last evaluated: 2024-09-26. Review status: criteria provided, single submitter. Criteria: Natera Variant Classification Schema (03/2026). Collection method: clinical testing. Allele origin: germline.
Comment: The c.3454_3455delGA variant in CFTR is a frameshift variant predicted to shift the reading frame beginning at codon 1152 and leads to a stop codon 3 codons downstream. This variant is expected to result in nonsense mediated decay, truncation, or a dysfunctional protein product. This variant is rare in the general population with a frequency below the threshold expected for the associated phenotype(s). Given the available evidence, this variant is classified as Likely Pathogenic.